The following is an entry in ClinVar:

ClinVar aggregate classification (germline): Uncertain significance (1 of 4 stars; one submission).

Allele frequency attached by ClinVar (database versions not stated): gnomAD exomes 0.00001.
gnomAD v4.1: 20 of 1,611,470 alleles (0.0012%); highest among the groups gnomAD compares: Non-Finnish European, 0.0017%; no homozygotes.

Submission:

Labcorp Genetics (formerly Invitae), Labcorp
Classification: Uncertain significance. Last evaluated: 2022-02-20. Review status: criteria provided, single submitter. Criteria: Invitae Variant Classification Sherloc (09022015). Collection method: clinical testing. Allele origin: germline.
Comment: In summary, the available evidence is currently insufficient to determine the role of this variant in disease. Therefore, it has been classified as a Variant of Uncertain Significance. Algorithms developed to predict the effect of sequence changes on RNA splicing suggest that this variant may create or strengthen a splice site. Algorithms developed to predict the effect of missense changes on protein structure and function are either unavailable or do not agree on the potential impact of this missense change (SIFT: "Deleterious"; PolyPhen-2: "Benign"; Align-GVGD: "Class C0"). This variant has not been reported in the literature in individuals affected with DMXL2-related conditions. This variant is present in population databases (no rsID available, gnomAD 0.002%). This sequence change replaces valine, which is neutral and non-polar, with glycine, which is neutral and non-polar, at codon 2393 of the DMXL2 protein (p.Val2393Gly).

NM_001378457.1(DMXL2):c.7178T>G (p.Val2393Gly)

Gene: DMXL2 (Dmx like 2; minus strand). Cytogenetic location: 15q21.2.
Variant type: single nucleotide variant.
Coding change: c.7178T>G on transcript NM_001378457.1 (MANE Select); coding-DNA position 7178, T replaced by G.
Protein change: p.Val2393Gly; replaces valine 2393 with glycine.
Molecular consequence: missense variant. On other transcripts: non-coding transcript variant (2).
Genome position (GRCh38, 1-based): chr15:51,474,379, A>C on the plus strand (T>G on the coding strand, the complement: DMXL2 is on the minus strand). VCF-style: chr15-51474379-A-C. GRCh37 (hg19) VCF-style: chr15-51766576-A-C.
Other names: c.7178T>G, p.Val2393Gly (NM_001174116.3, NM_001378459.1, NM_001378461.1 and 1 more transcripts); c.5267T>G, p.Val1756Gly (NM_001174117.3); c.7175T>G, p.Val2392Gly (NM_001378458.1, NM_001378462.1, NM_015263.5); c.5156T>G, p.Val1719Gly (NM_001378460.1); c.6935T>G, p.Val2312Gly (NM_001378464.1); short protein forms V1719G, V1756G, V2393G, V2312G, V2392G.
Identifiers: ClinVar variation 1354619 (VCV001354619.6), dbSNP rs1169208650, ClinGen allele CA392440942.